The following is an entry in ClinVar:

ClinVar aggregate classification (germline): Uncertain significance (1 of 4 stars; one submission).

Submission:

Labcorp Genetics (formerly Invitae), Labcorp
Classification: Uncertain significance. Last evaluated: 2021-06-13. Review status: criteria provided, single submitter. Criteria: Invitae Variant Classification Sherloc (09022015). Collection method: clinical testing. Allele origin: germline.
Comment: In summary, the available evidence is currently insufficient to determine the role of this variant in disease. Therefore, it has been classified as a Variant of Uncertain Significance. Algorithms developed to predict the effect of missense changes on protein structure and function (SIFT, PolyPhen-2, Align-GVGD) all suggest that this variant is likely to be tolerated, but these predictions have not been confirmed by published functional studies and their clinical significance is uncertain. This variant has not been reported in the literature in individuals with LTBP2-related conditions. This variant is not present in population databases (ExAC no frequency). This sequence change replaces proline with leucine at codon 143 of the LTBP2 protein (p.Pro143Leu). The proline residue is highly conserved and there is a moderate physicochemical difference between proline and leucine.

NM_000428.3(LTBP2):c.428C>T (p.Pro143Leu)

Gene: LTBP2 (latent transforming growth factor beta binding protein 2; minus strand). Cytogenetic location: 14q24.3.
Variant type: single nucleotide variant.
Coding change: c.428C>T on transcript NM_000428.3 (MANE Select); coding-DNA position 428, C replaced by T.
Protein change: p.Pro143Leu; replaces proline 143 with leucine.
Molecular consequence: missense variant.
Genome position (GRCh38, 1-based): chr14:74,611,517, G>A on the plus strand (C>T on the coding strand, the complement: LTBP2 is on the minus strand). VCF-style: chr14-74611517-G-A. GRCh37 (hg19) VCF-style: chr14-75078220-G-A.
Other names: short protein forms P143L.
Identifiers: ClinVar variation 1473052 (VCV001473052.8), dbSNP rs974595663, ClinGen allele CA390387600.